The following is an entry in ClinVar:

ClinVar aggregate classification (germline): Conflicting classifications of pathogenicity. Review status: criteria provided, conflicting classifications (1 of 4 stars). 3 submissions from 3 submitters: Uncertain significance (2); Likely benign (1). Last evaluated 2024-03-01.

Conditions:
Early-infantile DEE. Also called: Early infantile epileptic encephalopathy; Ohtahara syndrome; Early infantile epileptic encephalopathy with suppression bursts. Identifiers: Orphanet 1934, MedGen C0393706, MONDO:0800491.

Allele frequency attached by ClinVar (database versions not stated): gnomAD 0.00002; ExAC 0.00003; gnomAD exomes 0.00006.
gnomAD v4.1: 21 of 1,581,298 alleles (0.0013%); highest among the groups gnomAD compares: East Asian, 0.0023%; 1 homozygote.

Submissions (3):

CeGaT Center for Human Genetics Tuebingen
Classification: Likely benign. Last evaluated: 2024-03-01. Review status: criteria provided, single submitter. Criteria: CeGaT Center For Human Genetics Tuebingen Variant Classification Criteria Version 2. Collection method: clinical testing. Allele origin: germline. Affected: yes. Observed: 1 variant allele.
Comment: SCN8A: BS2

Labcorp Genetics (formerly Invitae), Labcorp
Classification: Uncertain significance for Early-infantile DEE. Last evaluated: 2023-11-01. Review status: criteria provided, single submitter. Criteria: Invitae Variant Classification Sherloc (09022015). Collection method: clinical testing. Allele origin: germline.
Comment: This sequence change replaces alanine, which is neutral and non-polar, with valine, which is neutral and non-polar, at codon 450 of the SCN8A protein (p.Ala450Val). The frequency data for this variant in the population databases is considered unreliable, as metrics indicate poor data quality at this position in the gnomAD database. This variant has not been reported in the literature in individuals affected with SCN8A-related conditions. ClinVar contains an entry for this variant (Variation ID: 546338). Advanced modeling of protein sequence and biophysical properties (such as structural, functional, and spatial information, amino acid conservation, physicochemical variation, residue mobility, and thermodynamic stability) performed at Invitae indicates that this missense variant is not expected to disrupt SCN8A protein function with a negative predictive value of 95%. In summary, the available evidence is currently insufficient to determine the role of this variant in disease. Therefore, it has been classified as a Variant of Uncertain Significance.

GeneDx
Classification: Uncertain significance. Last evaluated: 2018-05-16. Review status: criteria provided, single submitter. Criteria: GeneDx Variant Classification (06012015). Collection method: clinical testing. Allele origin: germline. Affected: yes.
Comment: A variant of uncertain significance has been identified in the SCN8A gene. The A450V variant has not been published as a pathogenic variant, nor has it been reported as a benign variant to our knowledge. The A450V variant is observed in 1/3492 (0.03%) allele from individuals of Finnish background in large population cohorts (Lek et al., 2016). The A450V variant is a conservative amino acid substitution, which is not likely to impact secondary protein structure as these residues share similar properties. However, in-silico analyses, including protein predictors and evolutionary conservation, support a deleterious effect. Therefore, based on the currently available information, it is unclear whether this variant is a pathogenic variant or a rare benign variant.

NM_001330260.2(SCN8A):c.1349C>T (p.Ala450Val)

Gene: SCN8A (sodium voltage-gated channel alpha subunit 8; plus strand). Cytogenetic location: 12q13.13.
Variant type: single nucleotide variant.
Coding change: c.1349C>T on transcript NM_001330260.2 (MANE Select); coding-DNA position 1349, C replaced by T.
Protein change: p.Ala450Val; replaces alanine 450 with valine.
Molecular consequence: missense variant.
Genome position (GRCh38, 1-based): chr12:51,706,429, C>T. VCF-style: chr12-51706429-C-T. GRCh37 (hg19) VCF-style: chr12-52100213-C-T.
Other names: c.1349C>T, p.Ala450Val (NM_001177984.3, NM_001369788.1, NM_014191.4); short protein forms A450V.
Identifiers: ClinVar variation 546338 (VCV000546338.26), dbSNP rs755154133, ClinGen allele CA6571254.